The following is an entry in ClinVar:

ClinVar aggregate classification (germline): Uncertain significance. Review status: criteria provided, multiple submitters, no conflicts (2 of 4 stars). 2 submissions from 2 submitters: Uncertain significance (2). Last evaluated 2024-04-26.

Conditions:
Hereditary nonpolyposis colorectal neoplasms. Identifiers: MedGen C0009405, MeSH D003123.
Hereditary cancer-predisposing syndrome. Also called: Neoplastic Syndromes, Hereditary; Hereditary Cancer Syndrome; Tumor predisposition; Hereditary neoplastic syndrome. Identifiers: Orphanet 140162, MedGen C0027672, MeSH D009386, MONDO:0015356.

Submissions (2):

Ambry Genetics
Classification: Uncertain significance for Hereditary cancer-predisposing syndrome. Last evaluated: 2024-04-26. Review status: criteria provided, single submitter. Criteria: Ambry Variant Classification Scheme 2023. Collection method: clinical testing. Allele origin: germline.
Comment: The p.I92F variant (also known as c.274A>T), located in coding exon 4 of the PMS2 gene, results from an A to T substitution at nucleotide position 274. The isoleucine at codon 92 is replaced by phenylalanine, an amino acid with highly similar properties. This amino acid position is conserved. In addition, the in silico prediction for this alteration is inconclusive. Based on the available evidence, the clinical significance of this variant remains unclear.

Labcorp Genetics (formerly Invitae), Labcorp
Classification: Uncertain significance for Hereditary nonpolyposis colorectal neoplasms. Last evaluated: 2024-03-01. Review status: criteria provided, single submitter. Criteria: Invitae Variant Classification Sherloc (09022015). Collection method: clinical testing. Allele origin: germline.
Comment: This sequence change replaces isoleucine, which is neutral and non-polar, with phenylalanine, which is neutral and non-polar, at codon 92 of the PMS2 protein (p.Ile92Phe). This variant is not present in population databases (gnomAD no frequency). This variant has not been reported in the literature in individuals affected with PMS2-related conditions. ClinVar contains an entry for this variant (Variation ID: 1036440). Advanced modeling of protein sequence and biophysical properties (such as structural, functional, and spatial information, amino acid conservation, physicochemical variation, residue mobility, and thermodynamic stability) performed at Invitae indicates that this missense variant is expected to disrupt PMS2 protein function with a positive predictive value of 80%. In summary, the available evidence is currently insufficient to determine the role of this variant in disease. Therefore, it has been classified as a Variant of Uncertain Significance.

NM_000535.7(PMS2):c.274A>T (p.Ile92Phe)

Gene: PMS2 (PMS1 homolog 2, mismatch repair system component; minus strand). Cytogenetic location: 7p22.1.
Variant type: single nucleotide variant.
Coding change: c.274A>T on transcript NM_000535.7 (MANE Select); coding-DNA position 274, A replaced by T.
Protein change: p.Ile92Phe; replaces isoleucine 92 with phenylalanine.
Molecular consequence: missense variant. On other transcripts: 5 prime UTR variant (9), non-coding transcript variant (1), intron variant (2).
Genome position (GRCh38, 1-based): chr7:6,003,769, T>A on the plus strand (A>T on the coding strand, the complement: PMS2 is on the minus strand). VCF-style: chr7-6003769-T-A. GRCh37 (hg19) VCF-style: chr7-6043400-T-A.
Other names: c.274A>T (NM_000535.5); c.-132A>T (NM_001322003.2, NM_001322004.2, NM_001322005.2 and 3 more transcripts); c.274A>T, p.Ile92Phe (NM_001322006.2, NM_001322014.2); c.-611A>T (NM_001322011.2, NM_001322012.2); c.-211A>T (NM_001322015.2); c.35+203A>T (NM_001322008.2, NM_001322007.2); short protein forms I92F.
Identifiers: ClinVar variation 1036440 (VCV001036440.9), dbSNP rs1333262869, ClinGen allele CA366744685.